The following is an entry in ClinVar:

ClinVar aggregate classification (germline): Uncertain significance (1 of 4 stars; one submission).

Conditions:
Primary ciliary dyskinesia. Also called: Ciliary dyskinesia. Identifiers: Orphanet 244, MedGen C0008780, MONDO:0016575, HP:0012265.

Submission:

Labcorp Genetics (formerly Invitae), Labcorp
Classification: Uncertain significance for Primary ciliary dyskinesia. Last evaluated: 2021-06-12. Review status: criteria provided, single submitter. Criteria: Invitae Variant Classification Sherloc (09022015). Collection method: clinical testing. Allele origin: germline.
Comment: In summary, the available evidence is currently insufficient to determine the role of this variant in disease. Therefore, it has been classified as a Variant of Uncertain Significance. Algorithms developed to predict the effect of sequence changes on RNA splicing suggest that this variant may create or strengthen a splice site, but this prediction has not been confirmed by published transcriptional studies. Algorithms developed to predict the effect of missense changes on protein structure and function are either unavailable or do not agree on the potential impact of this missense change (SIFT: "Deleterious"; PolyPhen-2: "Benign"; Align-GVGD: "Class C0"). This variant is not present in population databases (ExAC no frequency). This sequence change replaces leucine with valine at codon 1516 of the DNAH5 protein (p.Leu1516Val). The leucine residue is moderately conserved and there is a small physicochemical difference between leucine and valine.

NM_001369.3(DNAH5):c.4546T>G (p.Leu1516Val)

Genes: DNAH5 (dynein axonemal heavy chain 5; minus strand), DNAH5-AS1 (DNAH5 antisense RNA 1; plus strand). Cytogenetic location: 5p15.2.
Variant type: single nucleotide variant.
Coding change: c.4546T>G on transcript NM_001369.3 (MANE Select); coding-DNA position 4546, T replaced by G.
Protein change: p.Leu1516Val; replaces leucine 1516 with valine.
Molecular consequence: missense variant.
Genome position (GRCh38, 1-based): chr5:13,864,447, A>C on the plus strand (T>G on the coding strand, the complement: DNAH5 is on the minus strand). VCF-style: chr5-13864447-A-C. GRCh37 (hg19) VCF-style: chr5-13864556-A-C.
Other names: short protein forms L1516V.
Identifiers: ClinVar variation 944437 (VCV000944437.10), dbSNP rs1768927489, ClinGen allele CA359223833.